The following is an entry in ClinVar:

NM_031935.3(HMCN1):c.14123G>C (p.Ser4708Thr)

Gene: HMCN1 (hemicentin 1; plus strand). Cytogenetic location: 1q31.1.
Variant type: single nucleotide variant.
Coding change: c.14123G>C on transcript NM_031935.3 (MANE Select); coding-DNA position 14123, G replaced by C.
Protein change: p.Ser4708Thr; replaces serine 4708 with threonine.
Molecular consequence: missense variant.
Genome position (GRCh38, 1-based): chr1:186,144,560, G>C. VCF-style: chr1-186144560-G-C. GRCh37 (hg19) VCF-style: chr1-186113692-G-C.
Other names: short protein forms S4708T.
Identifiers: ClinVar variation 2004220 (VCV002004220.4), dbSNP rs903582041, ClinGen allele CA33475755.

ClinVar aggregate classification (germline): Uncertain significance (1 of 4 stars; one submission).

Submission:

Labcorp Genetics (formerly Invitae), Labcorp
Classification: Uncertain significance. Last evaluated: 2025-04-28. Review status: criteria provided, single submitter. Criteria: Invitae Variant Classification Sherloc (09022015). Collection method: clinical testing. Allele origin: germline.
Comment: This sequence change replaces serine, which is neutral and polar, with threonine, which is neutral and polar, at codon 4708 of the HMCN1 protein (p.Ser4708Thr). This variant is not present in population databases (gnomAD no frequency). This variant has not been reported in the literature in individuals affected with HMCN1-related conditions. ClinVar contains an entry for this variant (Variation ID: 2004220). An algorithm developed to predict the effect of missense changes on protein structure and function (PolyPhen-2) suggests that this variant is likely to be tolerated. In summary, the available evidence is currently insufficient to determine the role of this variant in disease. Therefore, it has been classified as a Variant of Uncertain Significance.